The following is an entry in ClinVar:

NM_032520.5(GNPTG):c.857C>T (p.Thr286Met)

Gene: GNPTG (N-acetylglucosamine-1-phosphate transferase subunit gamma; plus strand). Cytogenetic location: 16p13.3.
Variant type: single nucleotide variant.
Coding change: c.857C>T on transcript NM_032520.5 (MANE Select); coding-DNA position 857, C replaced by T.
Protein change: p.Thr286Met; replaces threonine 286 with methionine.
Molecular consequence: missense variant.
Genome position (GRCh38, 1-based): chr16:1,363,030, C>T. VCF-style: chr16-1363030-C-T. GRCh37 (hg19) VCF-style: chr16-1413031-C-T.
Other names: short protein forms T286M.
Identifiers: ClinVar variation 21724 (VCV000021724.21), dbSNP rs193302860, ClinGen allele CA342414.

ClinVar aggregate classification (germline): Conflicting classifications of pathogenicity. Review status: criteria provided, conflicting classifications (1 of 4 stars). 8 submissions from 8 submitters: Uncertain significance (4); Likely benign (1). 3 of the submissions do not count toward it. Last evaluated 2025-11-10.

Conditions:
GNPTG-mucolipidosis. Also called: Mucolipidosis type III gamma; MUCOLIPIDOSIS III, COMPLEMENTATION GROUP C; MUCOLIPIDOSIS III, IRANIAN VARIANT FORM; MUCOLIPIDOSIS III, VARIANT FORM; ML III GAMMA; ML IIIC. Identifiers: Orphanet 423470, Orphanet 577, MedGen C1854896, MONDO:0009652, OMIM 252605.

Allele frequency attached by ClinVar (database versions not stated): ESP Exome Variant Server 0.00015; gnomAD exomes 0.00020; ExAC 0.00027; gnomAD 0.00040 and 0.00043; TOPMed 0.00046.
gnomAD v4.1: 226 of 1,614,028 alleles (0.014%); highest among the groups gnomAD compares: Middle Eastern, 0.21%; no homozygotes.

Submissions (8):

Women's Health and Genetics/Laboratory Corporation of America, LabCorp
Classification: Uncertain significance. Last evaluated: 2025-11-10. Review status: criteria provided, single submitter. Criteria: LabCorp Variant Classification Summary - May 2015. Collection method: clinical testing. Allele origin: germline.
Comment: Variant summary: GNPTG c.857C>T (p.Thr286Met) results in a non-conservative amino acid change in the encoded protein sequence. Algorithms developed to predict the effect of missense changes on protein structure and function are either unavailable or do not agree on the potential impact of this missense change. The variant allele was found at a frequency of 0.0002 in 251280 control chromosomes. This frequency is not significantly higher than estimated for disease-causing variants in GNPTG, allowing no conclusion about variant significance. c.857C>T has been observed in individual(s) affected with Mucolipidosis III Gamma (examples: Fernandez-Marmiesse_2014, Persichetti_2009). These report(s) do not provide unequivocal conclusions about association of the variant with Mucolipidosis III Gamma. At least one publication reports experimental evidence evaluating an impact on protein function. These results showed no damaging effect of this variant (example: van Meel_2016). The following publications have been ascertained in the context of this evaluation (PMID: 27038293, 24767253, 19370764). ClinVar contains an entry for this variant (Variation ID: 21724). Based on the evidence outlined above, the variant was classified as uncertain significance.

Labcorp Genetics (formerly Invitae), Labcorp
Classification: Uncertain significance. Last evaluated: 2024-11-18. Review status: criteria provided, single submitter. Criteria: Invitae Variant Classification Sherloc (09022015). Collection method: clinical testing. Allele origin: germline.
Comment: This sequence change replaces threonine, which is neutral and polar, with methionine, which is neutral and non-polar, at codon 286 of the GNPTG protein (p.Thr286Met). This variant is present in population databases (rs193302860, gnomAD 0.06%). This missense change has been observed in individual(s) with Mucolipidosis III Gamma (PMID: 19370764, 24767253). ClinVar contains an entry for this variant (Variation ID: 21724). Invitae Evidence Modeling of protein sequence and biophysical properties (such as structural, functional, and spatial information, amino acid conservation, physicochemical variation, residue mobility, and thermodynamic stability) indicates that this missense variant is not expected to disrupt GNPTG protein function with a negative predictive value of 80%. Experimental studies have shown that this missense change does not substantially affect GNPTG function (PMID: 27038293). In summary, the available evidence is currently insufficient to determine the role of this variant in disease. Therefore, it has been classified as a Variant of Uncertain Significance.

Blueprint Genetics
Classification: Likely benign. Last evaluated: 2024-03-13. Review status: criteria provided, single submitter. Criteria: ACMG Guidelines, 2015. Collection method: clinical testing. Allele origin: germline.

Genome-Nilou Lab
Classification: Uncertain significance for GNPTG-mucolipidosis. Last evaluated: 2021-11-07. Review status: criteria provided, single submitter. Criteria: ACMG Guidelines, 2015. Collection method: clinical testing. Allele origin: germline. Affected: no.

Illumina Laboratory Services, Illumina
Classification: Uncertain significance for GNPTG-mucolipidosis. Last evaluated: 2017-04-27. Review status: criteria provided, single submitter. Criteria: ICSL Variant Classification Criteria 13 December 2019. Collection method: clinical testing. Allele origin: germline.
Comment: This variant was observed as part of a predisposition screen in an ostensibly healthy population. A literature search was performed for the gene, cDNA change, and amino acid change (where applicable). Publications were found based on this search. However, the evidence from the literature, in combination with allele frequency data from public databases where available, was not sufficient to rule this variant in or out of causing disease. Therefore, this variant is classified as a variant of unknown significance.

Mayo Clinic Laboratories, Mayo Clinic
Classification: Uncertain significance. Last evaluated: 2017-10-16. Review status: no assertion criteria provided. Collection method: clinical testing. Allele origin: unknown. Not counted in ClinVar's aggregate classification.

Natera, Inc.
Classification: Uncertain significance for Mucolipidosis III gamma. Last evaluated: 2017-04-27. Review status: no assertion criteria provided. Collection method: clinical testing. Allele origin: germline. Not counted in ClinVar's aggregate classification.

GeneReviews
No classification provided. Condition: GNPTG-mucolipidosis. Review status: no classification provided. Collection method: literature only. Allele origin: unknown. Not counted in ClinVar's aggregate classification.

Literature cited by the submitters: PubMed 24767253 (cited by 3 submitters); PubMed 19370764 (cited by 3 submitters); PubMed 27038293 (cited by Women's Health and Genetics/Laboratory Corporation of America, LabCorp and Labcorp Genetics (formerly Invitae), Labcorp); PubMed 20034096 (cited by Illumina Laboratory Services, Illumina); PubMed 24123366 (cited by Illumina Laboratory Services, Illumina); PubMed 20301784 (cited by GeneReviews); NCBI Bookshelf NBK24701 (cited by GeneReviews).